The following is an entry in ClinVar:

NM_014159.7(SETD2):c.4262T>C (p.Leu1421Pro)

Gene: SETD2 (SET domain containing 2, histone lysine methyltransferase; minus strand). Cytogenetic location: 3p21.31.
Variant type: single nucleotide variant.
Coding change: c.4262T>C on transcript NM_014159.7 (MANE Select); coding-DNA position 4262, T replaced by C.
Protein change: p.Leu1421Pro; replaces leucine 1421 with proline.
Molecular consequence: missense variant. On other transcripts: non-coding transcript variant (1).
Genome position (GRCh38, 1-based): chr3:47,120,374, A>G on the plus strand (T>C on the coding strand, the complement: SETD2 is on the minus strand). VCF-style: chr3-47120374-A-G. GRCh37 (hg19) VCF-style: chr3-47161864-A-G.
Other names: c.4262T>C (NM_014159.6); c.4130T>C, p.Leu1377Pro (NM_001349370.3); short protein forms L1421P, L1377P.
Identifiers: ClinVar variation 135240 (VCV000135240.4), dbSNP rs587778677, ClinGen allele CA162113.

ClinVar aggregate classification (germline): Conflicting classifications of pathogenicity. Review status: criteria provided, conflicting classifications (1 of 4 stars). 3 submissions from 3 submitters: Uncertain significance (1); Likely benign (1). 1 of the submissions does not count toward it. Last evaluated 2023-07-12.

Conditions:
Rabin-Pappas syndrome. Identifiers: MedGen C5774269, MONDO:0859331, OMIM 620155.
Intellectual developmental disorder, autosomal dominant 70. Identifiers: MedGen C5774271, MONDO:0859333, OMIM 620157.
Luscan-Lumish syndrome. Identifiers: Orphanet 597738, MedGen C4085873, MONDO:0014791, OMIM 616831.
Inborn genetic diseases. Identifiers: MedGen C0950123, MeSH D030342.

Allele frequency attached by ClinVar (database versions not stated): TOPMed below 0.00001; gnomAD exomes 0.00006 and 0.00003; ExAC 0.00007.
gnomAD v4.1: 41 of 1,612,794 alleles (0.0025%); highest among the groups gnomAD compares: South Asian, 0.037%; no homozygotes.

Submissions (3):

Ambry Genetics
Classification: Likely benign for Inborn genetic diseases. Last evaluated: 2023-07-12. Review status: criteria provided, single submitter. Criteria: Ambry Variant Classification Scheme 2023. Collection method: clinical testing. Allele origin: germline.

Department of Pathology and Laboratory Medicine, Sinai Health System
Classification: Uncertain significance for Luscan-Lumish syndrome; Rabin-Pappas syndrome; Intellectual developmental disorder, autosomal dominant 70. Last evaluated: 2023-01-26. Review status: criteria provided, single submitter. Criteria: ACMG Guidelines, 2015. Collection method: research. Allele origin: germline.

ITMI
No classification provided. Condition: AllHighlyPenetrant. Last evaluated: 2013-09-19. Review status: no classification provided. Collection method: reference population. Allele origin: germline. Not counted in ClinVar's aggregate classification.
Comment: Please see associated publication for description of ethnicities

Literature cited by the submitters: PubMed 24728327 (cited by ITMI).